The following is an entry in ClinVar:

NM_001429.4(EP300):c.5287C>T (p.Arg1763Trp)

Gene: EP300 (EP300 lysine acetyltransferase; plus strand). Cytogenetic location: 22q13.2.
Variant type: single nucleotide variant.
Coding change: c.5287C>T on transcript NM_001429.4 (MANE Select); coding-DNA position 5287, C replaced by T.
Protein change: p.Arg1763Trp; replaces arginine 1763 with tryptophan.
Molecular consequence: missense variant.
Genome position (GRCh38, 1-based): chr22:41,176,998, C>T. VCF-style: chr22-41176998-C-T. GRCh37 (hg19) VCF-style: chr22-41573002-C-T.
Other names: c.5209C>T, p.Arg1737Trp (NM_001362843.2); short protein forms R1737W, R1763W.
Identifiers: ClinVar variation 4979868 (VCV004979868.1).

ClinVar aggregate classification (germline): Uncertain significance (1 of 4 stars; one submission).

Conditions:
EP300-related disorder. Also called: EP300-related condition; EP300-related disorders.

Submission:

PreventionGenetics, part of Exact Sciences
Classification: Uncertain significance for EP300-related condition. Last evaluated: 2026-05-23. Review status: criteria provided, single submitter. Criteria: ACMG Guidelines, 2015. Collection method: clinical testing. Allele origin: germline.
Comment: The EP300 c.5287C>T variant is predicted to result in the amino acid substitution p.Arg1763Trp. To our knowledge, this variant has not been reported in the literature or in a large population database (gnomAD), indicating the variant is rare. At this time, the clinical significance of this variant is uncertain due to the absence of conclusive functional and genetic evidence.